The following is an entry in ClinVar:

ClinVar aggregate classification (germline): Pathogenic. Review status: criteria provided, multiple submitters, no conflicts (2 of 4 stars). 2 submissions from 2 submitters: Pathogenic (2). Last evaluated 2025-12-11.

Conditions:
Rubinstein-Taybi syndrome due to CREBBP mutations (RSTS1). Also called: Rubinstein-Taybi syndrome 1; RUBINSTEIN-TAYBI SYNDROME 1, INCOMPLETE; RUBINSTEIN SYNDROME; CREBBP-Related Rubinstein-Taybi Syndrome; BROAD THUMBS AND GREAT TOES, CHARACTERISTIC FACIES, AND IMPAIRED INTELLECTUAL DEVELOPMENT; BROAD THUMB-HALLUX SYNDROME. Identifiers: Orphanet 353277, Orphanet 783, MedGen C4551859, MONDO:0008393, OMIM 180849.

Submissions (2):

Victorian Clinical Genetics Services, Murdoch Childrens Research Institute
Classification: Pathogenic for Rubinstein-Taybi syndrome due to CREBBP mutations. Last evaluated: 2025-12-11. Review status: criteria provided, single submitter. Criteria: ACMG Guidelines, 2015. Collection method: clinical testing. Allele origin: germline. Affected: yes.
Comment: This variant is classified as Pathogenic. Evidence in support of pathogenic classification: Variant is predicted to result in a truncated protein (premature termination codon is NOT located at least 54 nucleotides upstream of the final exon-exon junction) with less than 1/3 of the protein sequence affected; Variant is absent from gnomAD (v2, v3 and v4); This variant has moderate previous evidence of pathogenicity in unrelated individuals. This variant has been reported as de novo and classified as pathogenic by a clinical laboratory in ClinVar; Other truncating variant(s) comparable to the one identified in this case have very strong previous evidence for pathogenicity (DECIPHER). Additional information: This variant is heterozygous; This gene is associated with autosomal dominant disease; Loss of function is a known mechanism of disease in this gene and is associated with Menke-Hennekam syndrome 1 (MIM#618332) and Rubinstein-Taybi syndrome 1 (MIM#180849).

Department of Clinical Genetics, Copenhagen University Hospital, Rigshospitalet
Classification: Pathogenic for Rubinstein-Taybi syndrome due to CREBBP mutations. Last evaluated: 2021-08-01. Review status: criteria provided, single submitter. Criteria: ACMG Guidelines, 2015. Collection method: clinical testing. Allele origin: de novo. Affected: yes.

NM_004380.3(CREBBP):c.5710C>T (p.Gln1904Ter)

Gene: CREBBP (CREB binding lysine acetyltransferase; minus strand). Cytogenetic location: 16p13.3.
Variant type: single nucleotide variant.
Coding change: c.5710C>T on transcript NM_004380.3 (MANE Select); coding-DNA position 5710, C replaced by T.
Protein change: p.Gln1904Ter; replaces glutamine 1904 with a stop codon.
Molecular consequence: nonsense.
Genome position (GRCh38, 1-based): chr16:3,729,337, G>A on the plus strand (C>T on the coding strand, the complement: CREBBP is on the minus strand). VCF-style: chr16-3729337-G-A. GRCh37 (hg19) VCF-style: chr16-3779338-G-A.
Other names: c.5596C>T, p.Gln1866Ter (NM_001079846.1); short protein forms Q1866*, Q1904*.
Identifiers: ClinVar variation 1679393 (VCV001679393.4), dbSNP rs2151308835, ClinGen allele CA394555696.